The following is an entry in ClinVar:

ClinVar aggregate classification (germline): Uncertain significance (1 of 4 stars; one submission).

Submission:

GeneDx
Classification: Uncertain significance. Last evaluated: 2024-07-03. Review status: criteria provided, single submitter. Criteria: GeneDx Variant Classification Process June 2021. Collection method: clinical testing. Allele origin: germline. Affected: yes.
Comment: Not observed at significant frequency in large population cohorts (gnomAD); In silico analysis indicates that this missense variant does not alter protein structure/function; Has not been previously published as pathogenic or benign to our knowledge

NM_015386.3(COG4):c.1636A>T (p.Met546Leu)

Gene: COG4 (component of oligomeric golgi complex 4; minus strand). Cytogenetic location: 16q22.1.
Variant type: single nucleotide variant.
Coding change: c.1636A>T on transcript NM_015386.3 (MANE Select); coding-DNA position 1636, A replaced by T.
Protein change: p.Met546Leu; replaces methionine 546 with leucine.
Molecular consequence: missense variant. On other transcripts: non-coding transcript variant (1).
Genome position (GRCh38, 1-based): chr16:70,496,277, T>A on the plus strand (A>T on the coding strand, the complement: COG4 is on the minus strand). VCF-style: chr16-70496277-T-A. GRCh37 (hg19) VCF-style: chr16-70530180-T-A.
Other names: c.1624A>T, p.Met542Leu (NM_001195139.2); c.1210A>T, p.Met404Leu (NM_001365426.1); short protein forms M546L, M404L, M542L.
Identifiers: ClinVar variation 3393882 (VCV003393882.1).